The following is an entry in ClinVar:

ClinVar aggregate classification (germline): Uncertain significance. Review status: criteria provided, multiple submitters, no conflicts (2 of 4 stars). 4 submissions from 4 submitters: Uncertain significance (4). Last evaluated 2025-09-16.

Conditions:
Hereditary cancer-predisposing syndrome. Also called: Neoplastic Syndromes, Hereditary; Hereditary Cancer Syndrome; Tumor predisposition; Hereditary neoplastic syndrome. Identifiers: Orphanet 140162, MedGen C0027672, MeSH D009386, MONDO:0015356.
Multiple endocrine neoplasia, type 2 (MEN2). Identifiers: Orphanet 653, MedGen C4048306, MONDO:0019003. Disease mechanism: gain of function.

Allele frequency attached by ClinVar (database versions not stated): gnomAD exomes below 0.00001; TOPMed below 0.00001.
gnomAD v4.1: 1 of 1,614,162 alleles (0.000062%); highest among the groups gnomAD compares: East Asian, 0.0022%; no homozygotes.

Submissions (4):

Color Diagnostics, LLC DBA Color Health
Classification: Uncertain significance for Multiple endocrine neoplasia, type 2. Last evaluated: 2025-09-16. Review status: criteria provided, single submitter. Criteria: ACMG Guidelines, 2015. Collection method: clinical testing. Allele origin: germline.
Comment: This missense variant replaces proline with threonine at codon 1091 of the RET protein. Computational prediction suggests that this variant may not impact protein structure and function. To our knowledge, functional studies have not been reported for this variant. This variant has not been reported in individuals affected with RET-related disorders in the literature. This variant has not been identified in the general population by the Genome Aggregation Database (gnomAD). The available evidence is insufficient to determine the role of this variant in disease conclusively. Therefore, this variant is classified as a Variant of Uncertain Significance.

Labcorp Genetics (formerly Invitae), Labcorp
Classification: Uncertain significance for Multiple endocrine neoplasia, type 2. Last evaluated: 2025-02-20. Review status: criteria provided, single submitter. Criteria: Invitae Variant Classification Sherloc (09022015). Collection method: clinical testing. Allele origin: germline.
Comment: This sequence change replaces proline, which is neutral and non-polar, with threonine, which is neutral and polar, at codon 1091 of the RET protein (p.Pro1091Thr). This variant is not present in population databases (gnomAD no frequency). This variant has not been reported in the literature in individuals affected with RET-related conditions. ClinVar contains an entry for this variant (Variation ID: 572394). An algorithm developed to predict the effect of missense changes on protein structure and function (PolyPhen-2) suggests that this variant is likely to be tolerated. In summary, the available evidence is currently insufficient to determine the role of this variant in disease. Therefore, it has been classified as a Variant of Uncertain Significance.

Ambry Genetics
Classification: Uncertain significance for Hereditary cancer-predisposing syndrome. Last evaluated: 2024-04-12. Review status: criteria provided, single submitter. Criteria: Ambry Variant Classification Scheme 2023. Collection method: clinical testing. Allele origin: germline.
Comment: The p.P1091T variant (also known as c.3271C>A), located in coding exon 20 of the RET gene, results from a C to A substitution at nucleotide position 3271. The proline at codon 1091 is replaced by threonine, an amino acid with highly similar properties. This amino acid position is poorly conserved in available vertebrate species. In addition, this alteration is predicted to be tolerated by in silico analysis. Based on the available evidence, the clinical significance of this variant remains unclear.

All of Us Research Program, National Institutes of Health
Classification: Uncertain significance for Multiple endocrine neoplasia, type 2. Last evaluated: 2023-09-04. Review status: criteria provided, single submitter. Criteria: ACMG Guidelines, 2015. Collection method: clinical testing. Allele origin: germline. Inheritance: Autosomal dominant inheritance. Observed: 1 variant allele, 1 heterozygote.
Comment: This missense variant replaces proline with threonine at codon 1091 of the RET protein. Computational prediction suggests that this variant may not impact protein structure and function (internally defined REVEL score threshold <= 0.5, PMID: 27666373). To our knowledge, functional studies have not been reported for this variant. This variant has not been reported in individuals affected with RET-related disorders in the literature. This variant has not been identified in the general population by the Genome Aggregation Database (gnomAD). The available evidence is insufficient to determine the role of this variant in disease conclusively. Therefore, this variant is classified as a Variant of Uncertain Significance.

This study involves interpretation of variants in research participants for the purpose of population health screening. Participant phenotype was not available at the time of variant classification. Additional details can be found in publication PMID: 35346344, PMCID: PMC8962531

NM_020975.6(RET):c.3271C>A (p.Pro1091Thr)

Gene: RET (ret proto-oncogene; plus strand). Cytogenetic location: 10q11.21.
Variant type: single nucleotide variant.
Coding change: c.3271C>A on transcript NM_020975.6 (MANE Select); coding-DNA position 3271, C replaced by A.
Protein change: p.Pro1091Thr; replaces proline 1091 with threonine.
Molecular consequence: missense variant.
Genome position (GRCh38, 1-based): chr10:43,128,195, C>A. VCF-style: chr10-43128195-C-A. GRCh37 (hg19) VCF-style: chr10-43623643-C-A.
Other names: c.3271C>A (LRG_518t1); short protein forms P1091T.
Identifiers: ClinVar variation 572394 (VCV000572394.10), dbSNP rs1564502605, ClinGen allele CA376559072.